The following is an entry in ClinVar:

ClinVar aggregate classification (germline): Uncertain significance (1 of 4 stars; one submission).

gnomAD v4.1: 1 of 1,607,266 alleles (0.000062%); highest among the groups gnomAD compares: Admixed American, 0.0017%; no homozygotes.

Submission:

Labcorp Genetics (formerly Invitae), Labcorp
Classification: Uncertain significance. Last evaluated: 2025-11-01. Review status: criteria provided, single submitter. Criteria: Invitae Variant Classification Sherloc (09022015). Collection method: clinical testing. Allele origin: germline.
Comment: This sequence change creates a premature translational stop signal (p.Gln2514*) in the ACAN gene. While this is not anticipated to result in nonsense mediated decay, it is expected to disrupt the last 17 amino acid(s) of the ACAN protein. This variant is not present in population databases (gnomAD no frequency). This variant has not been reported in the literature in individuals affected with ACAN-related conditions. Experimental studies and prediction algorithms are not available or were not evaluated, and the functional significance of this variant is currently unknown. In summary, the available evidence is currently insufficient to determine the role of this variant in disease. Therefore, it has been classified as a Variant of Uncertain Significance.

NM_001369268.1(ACAN):c.7654C>T (p.Gln2552Ter)

Gene: ACAN (aggrecan; plus strand). Cytogenetic location: 15q26.1.
Variant type: single nucleotide variant.
Coding change: c.7654C>T on transcript NM_001369268.1 (MANE Select); coding-DNA position 7654, C replaced by T.
Protein change: p.Gln2552Ter; replaces glutamine 2552 with a stop codon.
Molecular consequence: nonsense.
Genome position (GRCh38, 1-based): chr15:88,874,428, C>T. VCF-style: chr15-88874428-C-T. GRCh37 (hg19) VCF-style: chr15-89417659-C-T.
Other names: c.7243C>T, p.Gln2415Ter (NM_001135.4); c.7426C>T, p.Gln2476Ter (NM_001411096.1); c.7540C>T, p.Gln2514Ter (NM_001411097.1, NM_013227.4); short protein forms Q2476*, Q2552*, Q2415*, Q2514*.
Identifiers: ClinVar variation 4775153 (VCV004775153.1).